The following is an entry in ClinVar:

NM_014159.7(SETD2):c.1934G>A (p.Ser645Asn)

Gene: SETD2 (SET domain containing 2, histone lysine methyltransferase; minus strand). Cytogenetic location: 3p21.31.
Variant type: single nucleotide variant.
Coding change: c.1934G>A on transcript NM_014159.7 (MANE Select); coding-DNA position 1934, G replaced by A.
Protein change: p.Ser645Asn; replaces serine 645 with asparagine.
Molecular consequence: missense variant. On other transcripts: non-coding transcript variant (1).
Genome position (GRCh38, 1-based): chr3:47,122,702, C>T on the plus strand (G>A on the coding strand, the complement: SETD2 is on the minus strand). VCF-style: chr3-47122702-C-T. GRCh37 (hg19) VCF-style: chr3-47164192-C-T.
Other names: c.1802G>A, p.Ser601Asn (NM_001349370.3); short protein forms S601N, S645N.
Identifiers: ClinVar variation 1984932 (VCV001984932.4), dbSNP rs2106685240, ClinGen allele CA352528364.

ClinVar aggregate classification (germline): Uncertain significance (1 of 4 stars; one submission).

Conditions:
Luscan-Lumish syndrome. Identifiers: Orphanet 597738, MedGen C4085873, MONDO:0014791, OMIM 616831.

Submission:

Labcorp Genetics (formerly Invitae), Labcorp
Classification: Uncertain significance for Luscan-Lumish syndrome. Last evaluated: 2022-03-05. Review status: criteria provided, single submitter. Criteria: Invitae Variant Classification Sherloc (09022015). Collection method: clinical testing. Allele origin: germline.
Comment: This variant has not been reported in the literature in individuals affected with SETD2-related conditions. This variant is not present in population databases (gnomAD no frequency). This sequence change replaces serine, which is neutral and polar, with asparagine, which is neutral and polar, at codon 645 of the SETD2 protein (p.Ser645Asn). Algorithms developed to predict the effect of missense changes on protein structure and function (SIFT, PolyPhen-2, Align-GVGD) all suggest that this variant is likely to be tolerated. In summary, the available evidence is currently insufficient to determine the role of this variant in disease. Therefore, it has been classified as a Variant of Uncertain Significance.